The following is an entry in ClinVar:

NM_024996.7(GFM1):c.1037G>A (p.Ser346Asn)

Gene: GFM1 (G elongation factor mitochondrial 1; plus strand). Cytogenetic location: 3q25.32.
Variant type: single nucleotide variant.
Coding change: c.1037G>A on transcript NM_024996.7 (MANE Select); coding-DNA position 1037, G replaced by A.
Protein change: p.Ser346Asn; replaces serine 346 with asparagine.
Molecular consequence: missense variant. On other transcripts: non-coding transcript variant (3).
Genome position (GRCh38, 1-based): chr3:158,654,585, G>A. VCF-style: chr3-158654585-G-A. GRCh37 (hg19) VCF-style: chr3-158372374-G-A.
Other names: c.1094G>A, p.Ser365Asn (NM_001308164.2, NM_001374355.1); c.1037G>A, p.Ser346Asn (NM_001308166.2); c.920G>A, p.Ser307Asn (NM_001374356.1); c.812G>A, p.Ser271Asn (NM_001374357.1); c.578G>A, p.Ser193Asn (NM_001374358.1); c.470G>A, p.Ser157Asn (NM_001374359.1, NM_001374360.1); c.353G>A, p.Ser118Asn (NM_001374361.1); short protein forms S118N, S346N, S193N, S307N, S365N, S157N, S271N.
Identifiers: ClinVar variation 2005187 (VCV002005187.4), dbSNP rs2473971809, ClinGen allele CA355177374.

ClinVar aggregate classification (germline): Uncertain significance (1 of 4 stars; one submission).

Submission:

Labcorp Genetics (formerly Invitae), Labcorp
Classification: Uncertain significance. Last evaluated: 2022-11-01. Review status: criteria provided, single submitter. Criteria: Invitae Variant Classification Sherloc (09022015). Collection method: clinical testing. Allele origin: germline.
Comment: This variant is not present in population databases (gnomAD no frequency). This sequence change replaces serine, which is neutral and polar, with asparagine, which is neutral and polar, at codon 346 of the GFM1 protein (p.Ser346Asn). This variant has not been reported in the literature in individuals affected with GFM1-related conditions. In summary, the available evidence is currently insufficient to determine the role of this variant in disease. Therefore, it has been classified as a Variant of Uncertain Significance. Advanced modeling of protein sequence and biophysical properties (such as structural, functional, and spatial information, amino acid conservation, physicochemical variation, residue mobility, and thermodynamic stability) performed at Invitae indicates that this missense variant is not expected to disrupt GFM1 protein function.